The following is an entry in ClinVar:

NM_001322934.2(NFKB2):c.1118-112C>G

Gene: NFKB2 (nuclear factor kappa B subunit 2; plus strand). Cytogenetic location: 10q24.32.
Variant type: single nucleotide variant.
Coding change: c.1118-112C>G on transcript NM_001322934.2 (MANE Select); 112 bases into the intron before coding-DNA position 1118, C replaced by G.
Molecular consequence: intron variant.
Genome position (GRCh38, 1-based): chr10:102,399,176, C>G. VCF-style: chr10-102399176-C-G. GRCh37 (hg19) VCF-style: chr10-104158933-C-G.
Other names: c.1118-112C>G (NM_001288724.1, NM_001077494.3, NM_001261403.3 and 1 more transcripts); c.992-112C>G (NM_001322935.1).
Identifiers: ClinVar variation 2628252 (VCV002628252.2), dbSNP rs3740418, ClinGen allele CA13167343.

ClinVar aggregate classification (germline): Benign (1 of 4 stars; one submission).

Allele frequency attached by ClinVar (database versions not stated): TOPMed 0.28790; 1000 Genomes Project 30x 0.29279; 1000 Genomes Project 0.29473; gnomAD exomes 0.33796.
gnomAD v4.1: 353,878 of 1,067,992 alleles (33%); highest among the groups gnomAD compares: South Asian, 48%; 61,990 homozygotes.

Submission:

Unidad de Genómica Garrahan, Hospital de Pediatría Garrahan
Classification: Benign. Last evaluated: 2023-11-12. Review status: criteria provided, single submitter. Criteria: ACMG Guidelines, 2015. Collection method: clinical testing. Allele origin: germline. Affected: no. Observed: 25 variant alleles.
Comment: This variant is classified as Benign based on local population frequency. This variant was detected in 26% of patients studied by a panel of primary immunodeficiencies. Number of patients: 25. Only high quality variants are reported.